The following is an entry in ClinVar:

NM_177438.3(DICER1):c.2401T>G (p.Cys801Gly)

Gene: DICER1 (dicer 1, ribonuclease III; minus strand). Cytogenetic location: 14q32.13.
Variant type: single nucleotide variant.
Coding change: c.2401T>G on transcript NM_177438.3 (MANE Select); coding-DNA position 2401, T replaced by G.
Protein change: p.Cys801Gly; replaces cysteine 801 with glycine.
Molecular consequence: missense variant.
Genome position (GRCh38, 1-based): chr14:95,108,359, A>C on the plus strand (T>G on the coding strand, the complement: DICER1 is on the minus strand). VCF-style: chr14-95108359-A-C. GRCh37 (hg19) VCF-style: chr14-95574696-A-C.
Other names: c.2401T>G, p.Cys801Gly (NM_001195573.1, NM_001271282.3, NM_001291628.2 and 1 more transcripts); short protein forms C801G.
Identifiers: ClinVar variation 412068 (VCV000412068.13), dbSNP rs1060503599, ClinGen allele CA16614241.

ClinVar aggregate classification (germline): Uncertain significance. Review status: criteria provided, multiple submitters, no conflicts (2 of 4 stars). 2 submissions from 2 submitters: Uncertain significance (2). Last evaluated 2025-07-14.

Conditions:
DICER1-related tumor predisposition. Also called: DICER1-related pleuropulmonary blastoma cancer predisposition syndrome; DICER1 syndrome. Identifiers: Orphanet 284343, MedGen C3839822, MONDO:0100216.
Hereditary cancer-predisposing syndrome. Also called: Hereditary neoplastic syndrome; Neoplastic Syndromes, Hereditary; Tumor predisposition; Hereditary Cancer Syndrome. Identifiers: Orphanet 140162, MedGen C0027672, MeSH D009386, MONDO:0015356.

Allele frequency attached by ClinVar (database versions not stated): TOPMed below 0.00001; gnomAD 0.00001.
gnomAD v4.1: 5 of 1,613,838 alleles (0.00031%); highest among the groups gnomAD compares: Non-Finnish European, 0.00042%; no homozygotes.

Submissions (2):

Ambry Genetics
Classification: Uncertain significance for Hereditary cancer-predisposing syndrome. Last evaluated: 2025-07-14. Review status: criteria provided, single submitter. Criteria: Ambry Variant Classification Scheme 2023. Collection method: clinical testing. Allele origin: germline.
Comment: The p.C801G variant (also known as c.2401T>G), located in coding exon 14 of the DICER1 gene, results from a T to G substitution at nucleotide position 2401. The cysteine at codon 801 is replaced by glycine, an amino acid with highly dissimilar properties. This amino acid position is conserved. In addition, this alteration is predicted to be deleterious by in silico analysis. Based on the available evidence, the clinical significance of this variant remains unclear.

Labcorp Genetics (formerly Invitae), Labcorp
Classification: Uncertain significance for DICER1-related tumor predisposition. Last evaluated: 2024-08-14. Review status: criteria provided, single submitter. Criteria: Invitae Variant Classification Sherloc (09022015). Collection method: clinical testing. Allele origin: germline.
Comment: This sequence change replaces cysteine, which is neutral and slightly polar, with glycine, which is neutral and non-polar, at codon 801 of the DICER1 protein (p.Cys801Gly). This variant is present in population databases (no rsID available, gnomAD 0.007%). This variant has not been reported in the literature in individuals affected with DICER1-related conditions. ClinVar contains an entry for this variant (Variation ID: 412068). Invitae Evidence Modeling of protein sequence and biophysical properties (such as structural, functional, and spatial information, amino acid conservation, physicochemical variation, residue mobility, and thermodynamic stability) indicates that this missense variant is not expected to disrupt DICER1 protein function with a negative predictive value of 80%. In summary, the available evidence is currently insufficient to determine the role of this variant in disease. Therefore, it has been classified as a Variant of Uncertain Significance.